The following is an entry in ClinVar:

ClinVar aggregate classification (germline): Uncertain significance. Review status: criteria provided, multiple submitters, no conflicts (2 of 4 stars). 3 submissions from 3 submitters: Uncertain significance (3). Last evaluated 2025-09-27.

Conditions:
Hereditary cancer-predisposing syndrome. Also called: Neoplastic Syndromes, Hereditary; Tumor predisposition; Hereditary neoplastic syndrome; Hereditary Cancer Syndrome. Identifiers: Orphanet 140162, MedGen C0027672, MeSH D009386, MONDO:0015356.
Hereditary breast ovarian cancer syndrome. Also called: Hereditary breast and ovarian cancer syndrome (HBOC); Hereditary breast and ovarian cancer; Hereditary breast and/or ovarian cancer syndrome; Hereditary breast and ovarian cancer syndrome; Breast and ovarian cancer; BRCA1- and BRCA2-Associated Hereditary Breast and Ovarian Cancer. Identifiers: Orphanet 145, MedGen C0677776, MeSH D061325, MONDO:0003582. Disease mechanism: loss of function.

Allele frequency attached by ClinVar (database versions not stated): gnomAD exomes below 0.00001.
gnomAD v4.1: 1 of 1,574,720 alleles (0.000064%); highest among the groups gnomAD compares: Non-Finnish European, 0.000087%; no homozygotes.

Submissions (3):

Labcorp Genetics (formerly Invitae), Labcorp
Classification: Uncertain significance for Hereditary breast ovarian cancer syndrome. Last evaluated: 2025-09-27. Review status: criteria provided, single submitter. Criteria: Invitae Variant Classification Sherloc (09022015). Collection method: clinical testing. Allele origin: germline.
Comment: This sequence change replaces alanine, which is neutral and non-polar, with valine, which is neutral and non-polar, at codon 2306 of the BRCA2 protein (p.Ala2306Val). This variant is not present in population databases (gnomAD no frequency). This variant has not been reported in the literature in individuals affected with BRCA2-related conditions. ClinVar contains an entry for this variant (Variation ID: 839428). Invitae Evidence Modeling of protein sequence and biophysical properties (such as structural, functional, and spatial information, amino acid conservation, physicochemical variation, residue mobility, and thermodynamic stability) indicates that this missense variant is not expected to disrupt BRCA2 protein function with a negative predictive value of 95%. Algorithms developed to predict the effect of sequence changes on RNA splicing suggest that this variant may disrupt the consensus splice site. In summary, the available evidence is currently insufficient to determine the role of this variant in disease. Therefore, it has been classified as a Variant of Uncertain Significance.

Ambry Genetics
Classification: Uncertain significance for Hereditary cancer-predisposing syndrome. Last evaluated: 2025-08-30. Review status: criteria provided, single submitter. Criteria: Ambry Variant Classification Scheme 2023. Collection method: clinical testing. Allele origin: germline.
Comment: The p.A2306V variant (also known as c.6917C>T), located in coding exon 11 of the BRCA2 gene, results from a C to T substitution at nucleotide position 6917. The alanine at codon 2306 is replaced by valine, an amino acid with similar properties. This amino acid position is not well conserved in available vertebrate species. In addition, this alteration is predicted to be tolerated by in silico analysis. Since supporting evidence is limited at this time, the clinical significance of this alteration remains unclear.

GeneDx
Classification: Uncertain significance. Last evaluated: 2023-11-16. Review status: criteria provided, single submitter. Criteria: GeneDx Variant Classification Process June 2021. Collection method: clinical testing. Allele origin: germline. Affected: yes.
Comment: Not observed at significant frequency in large population cohorts (gnomAD); In silico analysis supports that this missense variant does not alter protein structure/function; Has not been previously published as pathogenic or benign to our knowledge; Also known as 7145C>T

NM_000059.4(BRCA2):c.6917C>T (p.Ala2306Val)

Gene: BRCA2 (BRCA2 DNA repair associated; plus strand). Cytogenetic location: 13q13.1.
Variant type: single nucleotide variant.
Coding change: c.6917C>T on transcript NM_000059.4 (MANE Select); coding-DNA position 6917, C replaced by T.
Protein change: p.Ala2306Val; replaces alanine 2306 with valine.
Molecular consequence: missense variant.
Genome position (GRCh38, 1-based): chr13:32,344,633, C>T. VCF-style: chr13-32344633-C-T. GRCh37 (hg19) VCF-style: chr13-32918770-C-T.
Other names: short protein forms A2306V.
Identifiers: ClinVar variation 839428 (VCV000839428.14), dbSNP rs2072598643, ClinGen allele CA387792918.